The following is an entry in ClinVar:

ClinVar aggregate classification (germline): Uncertain significance (1 of 4 stars; one submission).

Submission:

Labcorp Genetics (formerly Invitae), Labcorp
Classification: Uncertain significance. Last evaluated: 2021-11-14. Review status: criteria provided, single submitter. Criteria: Invitae Variant Classification Sherloc (09022015). Collection method: clinical testing. Allele origin: germline.
Comment: This variant has not been reported in the literature in individuals affected with COL2A1-related conditions. Advanced modeling of protein sequence and biophysical properties (such as structural, functional, and spatial information, amino acid conservation, physicochemical variation, residue mobility, and thermodynamic stability) performed at Invitae indicates that this missense variant is not expected to disrupt COL2A1 protein function. In summary, the available evidence is currently insufficient to determine the role of this variant in disease. Therefore, it has been classified as a Variant of Uncertain Significance. This sequence change replaces alanine, which is neutral and non-polar, with aspartic acid, which is acidic and polar, at codon 418 of the COL2A1 protein (p.Ala418Asp). This variant is not present in population databases (gnomAD no frequency).

NM_001844.5(COL2A1):c.1253C>A (p.Ala418Asp)

Gene: COL2A1 (collagen type II alpha 1 chain; minus strand). Cytogenetic location: 12q13.11.
Variant type: single nucleotide variant.
Coding change: c.1253C>A on transcript NM_001844.5 (MANE Select); coding-DNA position 1253, C replaced by A.
Protein change: p.Ala418Asp; replaces alanine 418 with aspartic acid.
Molecular consequence: missense variant.
Genome position (GRCh38, 1-based): chr12:47,987,282, G>T on the plus strand (C>A on the coding strand, the complement: COL2A1 is on the minus strand). VCF-style: chr12-47987282-G-T. GRCh37 (hg19) VCF-style: chr12-48381065-G-T.
Other names: c.1046C>A, p.Ala349Asp (NM_033150.3); short protein forms A418D, A349D.
Identifiers: ClinVar variation 1351614 (VCV001351614.6), dbSNP rs2136577068, ClinGen allele CA384554177.